The following is an entry in ClinVar:

ClinVar aggregate classification (germline): Uncertain significance. Review status: criteria provided, multiple submitters, no conflicts (2 of 4 stars). 2 submissions from 2 submitters: Uncertain significance (2). Last evaluated 2024-07-03.

Allele frequency attached by ClinVar (database versions not stated): TOPMed below 0.00001; gnomAD 0.00001; gnomAD exomes 0.00001.
gnomAD v4.1: 6 of 1,614,026 alleles (0.00037%); highest among the groups gnomAD compares: East Asian, 0.013%; no homozygotes.

Submissions (2):

Labcorp Genetics (formerly Invitae), Labcorp
Classification: Uncertain significance. Last evaluated: 2024-07-03. Review status: criteria provided, single submitter. Criteria: Invitae Variant Classification Sherloc (09022015). Collection method: clinical testing. Allele origin: germline.
Comment: This sequence change replaces serine, which is neutral and polar, with cysteine, which is neutral and slightly polar, at codon 37 of the FOXP1 protein (p.Ser37Cys). This variant is present in population databases (no rsID available, gnomAD 0.01%). This missense change has been observed in individual(s) with clinical features of FOXP1-related condition (PMID: 30564305). ClinVar contains an entry for this variant (Variation ID: 1335534). Advanced modeling of protein sequence and biophysical properties (such as structural, functional, and spatial information, amino acid conservation, physicochemical variation, residue mobility, and thermodynamic stability) performed at Invitae indicates that this missense variant is not expected to disrupt FOXP1 protein function with a negative predictive value of 80%. In summary, the available evidence is currently insufficient to determine the role of this variant in disease. Therefore, it has been classified as a Variant of Uncertain Significance.

CeGaT Center for Human Genetics Tuebingen
Classification: Uncertain significance. Last evaluated: 2021-12-01. Review status: criteria provided, single submitter. Criteria: CeGaT Center For Human Genetics Tuebingen Variant Classification Criteria Version 2. Collection method: clinical testing. Allele origin: germline. Affected: yes. Observed: 1 variant allele.

Literature cited by the submitters: PubMed 30564305 (cited by Labcorp Genetics (formerly Invitae), Labcorp).

NM_001349338.3(FOXP1):c.110C>G (p.Ser37Cys)

Gene: FOXP1 (forkhead box P1; minus strand). Cytogenetic location: 3p13.
Variant type: single nucleotide variant.
Coding change: c.110C>G on transcript NM_001349338.3 (MANE Select); coding-DNA position 110, C replaced by G.
Protein change: p.Ser37Cys; replaces serine 37 with cysteine.
Molecular consequence: missense variant. On other transcripts: non-coding transcript variant (2).
Genome position (GRCh38, 1-based): chr3:71,198,272, G>C on the plus strand (C>G on the coding strand, the complement: FOXP1 is on the minus strand). VCF-style: chr3-71198272-G-C. GRCh37 (hg19) VCF-style: chr3-71247423-G-C.
Other names: c.110C>G, p.Ser37Cys (NM_001012505.2, NM_001244808.3, NM_001244810.2 and 6 more transcripts); short protein forms S37C.
Identifiers: ClinVar variation 1335534 (VCV001335534.37), dbSNP rs1383155725, ClinGen allele CA353565109.
Genomic context (GRCh38, chr3:71,198,272, plus strand): 5'-TGCTGCTGGGCGTGGGCGAGGTCAGCTGCCCCGATGTCCACGGCCGGCGTCTCTCCGTTG[G>C]ACCGCCCCTCCCGAAGACCGCCGCACTCTAGTAAGTGGTTGCTGCCGCCCGACCCATTCT-3'
Protein context (NP_001336267.1, residues 27-47): LECGGLREGR[Ser37Cys]NGETPAVDIG